The following is an entry in ClinVar:

NM_001271.4(CHD2):c.2974-56T>C

Genes: CHD2 (chromodomain helicase DNA binding protein 2; plus strand), LOC126862230 (P300/CBP strongly-dependent group 1 enhancer GRCh37_chr15:93523977-93525176; plus strand). Cytogenetic location: 15q26.1.
Variant type: single nucleotide variant.
Coding change: c.2974-56T>C on transcript NM_001271.4 (MANE Select); 56 bases into the intron before coding-DNA position 2974, T replaced by C.
Molecular consequence: intron variant.
Genome position (GRCh38, 1-based): chr15:92,981,309, T>C. VCF-style: chr15-92981309-T-C. GRCh37 (hg19) VCF-style: chr15-93524539-T-C.
Identifiers: ClinVar variation 3255297 (VCV003255297.2), dbSNP rs78380848.

ClinVar aggregate classification (germline): Benign (1 of 4 stars; one submission).

Allele frequency attached by ClinVar (database versions not stated): gnomAD exomes 0.00545; gnomAD 0.00820; 1000 Genomes Project 0.01458; TOPMed 0.01473; 1000 Genomes Project 30x 0.01624.
gnomAD v4.1: 7,039 of 1,215,108 alleles (0.58%); highest among the groups gnomAD compares: Admixed American, 11%; 398 homozygotes.

Submission:

Unidad de Genómica Garrahan, Hospital de Pediatría Garrahan
Classification: Benign. Last evaluated: 2024-07-15. Review status: criteria provided, single submitter. Criteria: ACMG Guidelines, 2015. Collection method: clinical testing. Allele origin: germline. Affected: no. Observed: 28 variant alleles.
Comment: This variant is classified as Benign based on local population frequency. This variant was detected in 30% of patients studied in a panel designed for Epileptic and Developmental Encephalopathy and Progressive Myoclonus Epilepsy. Number of patients: 28. Only high quality variants are reported.